The following is an entry in ClinVar:

NM_003737.4(DCHS1):c.9685A>G (p.Ile3229Val)

Gene: DCHS1 (dachsous cadherin-related 1; minus strand). Cytogenetic location: 11p15.4.
Variant type: single nucleotide variant.
Coding change: c.9685A>G on transcript NM_003737.4 (MANE Select); coding-DNA position 9685, A replaced by G.
Protein change: p.Ile3229Val; replaces isoleucine 3229 with valine.
Molecular consequence: missense variant.
Genome position (GRCh38, 1-based): chr11:6,621,991, T>C on the plus strand (A>G on the coding strand, the complement: DCHS1 is on the minus strand). VCF-style: chr11-6621991-T-C. GRCh37 (hg19) VCF-style: chr11-6643222-T-C.
Other names: short protein forms I3229V.
Identifiers: ClinVar variation 3011831 (VCV003011831.3), dbSNP rs764531485, ClinGen allele CA5859198.

ClinVar aggregate classification (germline): Uncertain significance (1 of 4 stars; one submission).

Allele frequency attached by ClinVar (database versions not stated): gnomAD exomes 0.00001; ExAC 0.00001; TOPMed 0.00001; gnomAD 0.00001.
gnomAD v4.1: 16 of 1,611,942 alleles (0.00099%); highest among the groups gnomAD compares: Non-Finnish European, 0.00042%; no homozygotes.

Submission:

Labcorp Genetics (formerly Invitae), Labcorp
Classification: Uncertain significance. Last evaluated: 2025-08-24. Review status: criteria provided, single submitter. Criteria: Invitae Variant Classification Sherloc (09022015). Collection method: clinical testing. Allele origin: germline.
Comment: This sequence change replaces isoleucine, which is neutral and non-polar, with valine, which is neutral and non-polar, at codon 3229 of the DCHS1 protein (p.Ile3229Val). This variant is present in population databases (rs764531485, gnomAD 0.03%). This variant has not been reported in the literature in individuals affected with DCHS1-related conditions. ClinVar contains an entry for this variant (Variation ID: 3011831). Invitae Evidence Modeling of protein sequence and biophysical properties (such as structural, functional, and spatial information, amino acid conservation, physicochemical variation, residue mobility, and thermodynamic stability) indicates that this missense variant is not expected to disrupt DCHS1 protein function with a negative predictive value of 95%. In summary, the available evidence is currently insufficient to determine the role of this variant in disease. Therefore, it has been classified as a Variant of Uncertain Significance.